The following is an entry in ClinVar:

ClinVar aggregate classification (germline): Uncertain significance. Review status: criteria provided, multiple submitters, no conflicts (2 of 4 stars). 2 submissions from 2 submitters: Uncertain significance (2). Last evaluated 2025-11-04.

Conditions:
EGFR-related lung cancer (EGFR). Identifiers: MedGen CN130014.
Hereditary cancer-predisposing syndrome. Also called: Tumor predisposition; Hereditary neoplastic syndrome; Neoplastic Syndromes, Hereditary; Hereditary Cancer Syndrome. Identifiers: Orphanet 140162, MedGen C0027672, MeSH D009386, MONDO:0015356.

Allele frequency attached by ClinVar (database versions not stated): gnomAD exomes below 0.00001; ExAC 0.00001; TOPMed 0.00001.
gnomAD v4.1: 6 of 1,609,234 alleles (0.00037%); highest among the groups gnomAD compares: Non-Finnish European, 0.00051%; no homozygotes.

Submissions (2):

Labcorp Genetics (formerly Invitae), Labcorp
Classification: Uncertain significance for EGFR-related lung cancer. Last evaluated: 2025-11-04. Review status: criteria provided, single submitter. Criteria: Invitae Variant Classification Sherloc (09022015). Collection method: clinical testing. Allele origin: germline.
Comment: This sequence change replaces glycine, which is neutral and non-polar, with arginine, which is basic and polar, at codon 627 of the EGFR protein (p.Gly627Arg). This variant is present in population databases (rs753315940, gnomAD 0.0009%). This variant has not been reported in the literature in individuals affected with EGFR-related conditions. ClinVar contains an entry for this variant (Variation ID: 1427476). An algorithm developed to predict the effect of missense changes on protein structure and function (PolyPhen-2) suggests that this variant is likely to be disruptive. In summary, the available evidence is currently insufficient to determine the role of this variant in disease. Therefore, it has been classified as a Variant of Uncertain Significance.

Ambry Genetics
Classification: Uncertain significance for Hereditary cancer-predisposing syndrome. Last evaluated: 2025-05-16. Review status: criteria provided, single submitter. Criteria: Ambry Variant Classification Scheme 2023. Collection method: clinical testing. Allele origin: germline.
Comment: The p.G627R variant (also known as c.1879G>A), located in coding exon 15 of the EGFR gene, results from a G to A substitution at nucleotide position 1879. The glycine at codon 627 is replaced by arginine, an amino acid with dissimilar properties. This amino acid position is conserved. In addition, the in silico prediction for this alteration is inconclusive. Based on the available evidence, the clinical significance of this variant remains unclear.

NM_005228.5(EGFR):c.1879G>A (p.Gly627Arg)

Gene: EGFR (epidermal growth factor receptor; plus strand). Cytogenetic location: 7p11.2.
Variant type: single nucleotide variant.
Coding change: c.1879G>A on transcript NM_005228.5 (MANE Select); coding-DNA position 1879, G replaced by A.
Protein change: p.Gly627Arg; replaces glycine 627 with arginine.
Molecular consequence: missense variant.
Genome position (GRCh38, 1-based): chr7:55,165,436, G>A. VCF-style: chr7-55165436-G-A. GRCh37 (hg19) VCF-style: chr7-55233129-G-A.
Other names: c.1879G>A (NM_005228.3); c.1744G>A, p.Gly582Arg (NM_001346897.2, NM_001346899.2); c.1879G>A, p.Gly627Arg (NM_001346898.2, NM_201282.2, NM_201284.2); c.1720G>A, p.Gly574Arg (NM_001346900.2); c.1078G>A, p.Gly360Arg (NM_001346941.2); short protein forms G360R, G574R, G582R, G627R.
Identifiers: ClinVar variation 1427476 (VCV001427476.7), dbSNP rs753315940, ClinGen allele CA4265720.